The following is an entry in ClinVar:

ClinVar aggregate classification (germline): Uncertain significance (1 of 4 stars; one submission).

Conditions:
MTOR-related disorder. Also called: MTOR-related condition.

gnomAD v4.1: 4 of 1,613,268 alleles (0.00025%); highest among the groups gnomAD compares: Non-Finnish European, 0.00034%; no homozygotes.

Submission:

PreventionGenetics, part of Exact Sciences
Classification: Uncertain significance for MTOR-related condition. Last evaluated: 2025-06-26. Review status: criteria provided, single submitter. Criteria: ACMG Guidelines, 2015. Collection method: clinical testing. Allele origin: germline.
Comment: The MTOR c.705+4A>G variant is predicted to interfere with splicing. To our knowledge, this variant has not been reported in the literature or in a large population database (gnomAD), indicating this variant is rare. At this time, the clinical significance of this variant is uncertain due to the absence of conclusive functional and genetic evidence.

NM_004958.4(MTOR):c.705+4A>G

Gene: MTOR (mechanistic target of rapamycin kinase; minus strand). Cytogenetic location: 1p36.22.
Variant type: single nucleotide variant.
Coding change: c.705+4A>G on transcript NM_004958.4 (MANE Select); 4 bases into the intron after coding-DNA position 705, A replaced by G.
Molecular consequence: intron variant.
Genome position (GRCh38, 1-based): chr1:11,255,988, T>C on the plus strand (A>G on the coding strand, the complement: MTOR is on the minus strand). VCF-style: chr1-11255988-T-C. GRCh37 (hg19) VCF-style: chr1-11316045-T-C.
Other names: c.-435+4A>G (NM_001386501.1); c.705+4A>G (NM_001386500.1).
Identifiers: ClinVar variation 4988284 (VCV004988284.1).